The following is an entry in ClinVar:

ClinVar aggregate classification (germline): Likely pathogenic (1 of 4 stars; one submission).

Conditions:
Marfan syndrome (MFS). Also called: FBN1-Related Marfan Syndrome; Marfan syndrome type 1; Marfan's syndrome; Marfan syndrome, classic; MARFAN SYNDROME, TYPE I. Identifiers: Orphanet 284963, Orphanet 558, MedGen C0024796, MONDO:0007947, OMIM 154700.

Submission:

Women's Health and Genetics/Laboratory Corporation of America, LabCorp
Classification: Likely pathogenic for Marfan Syndrome. Last evaluated: 2011-08-18. Review status: criteria provided, single submitter. Criteria: LabCorp Variant Classification Summary - May 2015. Collection method: curation, clinical testing. Allele origin: germline. Inheritance: autosomal unknown. Affected: yes.
ClinVar note: Converted during submission from likely pathogenic to Likely pathogenic.

NM_000138.5(FBN1):c.6553_6556dup (p.Gly2186fs)

Gene: FBN1 (fibrillin 1; minus strand). Cytogenetic location: 15q21.1.
Variant type: Duplication.
Coding change: c.6553_6556dup on transcript NM_000138.5 (MANE Select); coding-DNA positions 6553 to 6556, 4 bases duplicated (ATTG; older notation c.6553_6556dupATTG).
Protein change: p.Gly2186fs; shifts the reading frame from glycine 2186.
Molecular consequence: frameshift variant.
Genome position (GRCh38, 1-based): chr15:48,434,654-48,434,657, CAAT duplicated on the plus strand (ATTG on the coding strand, the reverse complement: FBN1 is on the minus strand); duplicating any 4 consecutive bases within chr15:48,434,654-48,434,659 gives the same sequence; the c. name uses the placement nearest the transcript's 3' end. VCF-style (leftmost placement, unchanged base first): chr15-48434653-C-CCAAT. GRCh37 (hg19) VCF-style: chr15-48726850-C-CCAAT.
Other names: c.6553_6556dupATTG (NM_000138.4); short protein forms G2186fs.
Identifiers: ClinVar variation 36102 (VCV000036102.3), dbSNP rs193922225, ClinGen allele CA281833.